The following is an entry in ClinVar:

ClinVar aggregate classification (germline): Uncertain significance. Review status: criteria provided, multiple submitters, no conflicts (2 of 4 stars). 2 submissions from 2 submitters: Uncertain significance (2). Last evaluated 2022-10-17.

Conditions:
Primary ciliary dyskinesia 3. Identifiers: Orphanet 244, MedGen C1837618, MONDO:0012085, OMIM 608644.
Primary ciliary dyskinesia. Also called: Ciliary dyskinesia. Identifiers: Orphanet 244, MedGen C0008780, MONDO:0016575, HP:0012265.

Allele frequency attached by ClinVar (database versions not stated): gnomAD 0.00001; TOPMed 0.00001.
gnomAD v4.1: 2 of 1,614,058 alleles (0.00012%); highest among the groups gnomAD compares: Non-Finnish European, 0.000085%; no homozygotes.

Submissions (2):

Labcorp Genetics (formerly Invitae), Labcorp
Classification: Uncertain significance for Primary ciliary dyskinesia. Last evaluated: 2022-10-17. Review status: criteria provided, single submitter. Criteria: Invitae Variant Classification Sherloc (09022015). Collection method: clinical testing. Allele origin: germline.
Comment: This sequence change replaces histidine, which is basic and polar, with asparagine, which is neutral and polar, at codon 4192 of the DNAH5 protein (p.His4192Asn). This variant is present in population databases (no rsID available, gnomAD 0.0009%). This variant has not been reported in the literature in individuals affected with DNAH5-related conditions. ClinVar contains an entry for this variant (Variation ID: 907178). Advanced modeling of protein sequence and biophysical properties (such as structural, functional, and spatial information, amino acid conservation, physicochemical variation, residue mobility, and thermodynamic stability) performed at Invitae indicates that this missense variant is not expected to disrupt DNAH5 protein function. In summary, the available evidence is currently insufficient to determine the role of this variant in disease. Therefore, it has been classified as a Variant of Uncertain Significance.

Illumina Laboratory Services, Illumina
Classification: Uncertain significance for Primary ciliary dyskinesia 3. Last evaluated: 2018-01-13. Review status: criteria provided, single submitter. Criteria: ICSL Variant Classification Criteria 13 December 2019. Collection method: clinical testing. Allele origin: germline.

NM_001369.3(DNAH5):c.12574C>A (p.His4192Asn)

Gene: DNAH5 (dynein axonemal heavy chain 5; minus strand). Cytogenetic location: 5p15.2.
Variant type: single nucleotide variant.
Coding change: c.12574C>A on transcript NM_001369.3 (MANE Select); coding-DNA position 12574, C replaced by A.
Protein change: p.His4192Asn; replaces histidine 4192 with asparagine.
Molecular consequence: missense variant.
Genome position (GRCh38, 1-based): chr5:13,717,446, G>T on the plus strand (C>A on the coding strand, the complement: DNAH5 is on the minus strand). VCF-style: chr5-13717446-G-T. GRCh37 (hg19) VCF-style: chr5-13717555-G-T.
Other names: short protein forms H4192N.
Identifiers: ClinVar variation 907178 (VCV000907178.6), dbSNP rs748199626, ClinGen allele CA359207739.
Genomic context (GRCh38, chr5:13,717,446, plus strand): 5'-ATTCGTAGGGGATATTCCACCCCAGGGCACCGAACTTGCGCCTCTCCTGGACAGTGGAGT[G>T]CAGGAAAGCCACTGCGTACAGCATGGGCTTCCACTGGGACCCAGAGCTCACGTCCAGCAG-3'
Protein context (NP_001360.1, residues 4182-4202): KPMLYAVAFL[His4192Asn]STVQERRKFG